The following is an entry in ClinVar:

ClinVar aggregate classification (germline): Uncertain significance (1 of 4 stars; one submission).

Allele frequency attached by ClinVar (database versions not stated): ExAC 0.00001; gnomAD 0.00001; gnomAD exomes below 0.00001.
gnomAD v4.1: 4 of 1,612,770 alleles (0.00025%); highest among the groups gnomAD compares: Admixed American, 0.0017%; no homozygotes.

Submission:

Labcorp Genetics (formerly Invitae), Labcorp
Classification: Uncertain significance. Last evaluated: 2025-10-01. Review status: criteria provided, single submitter. Criteria: Invitae Variant Classification Sherloc (09022015). Collection method: clinical testing. Allele origin: germline.
Comment: This sequence change replaces asparagine, which is neutral and polar, with lysine, which is basic and polar, at codon 144 of the POLR3B protein (p.Asn144Lys). This variant is present in population databases (rs748225333, gnomAD 0.003%). This variant has not been reported in the literature in individuals affected with POLR3B-related conditions. ClinVar contains an entry for this variant (Variation ID: 1964249). Invitae Evidence Modeling of protein sequence and biophysical properties (such as structural, functional, and spatial information, amino acid conservation, physicochemical variation, residue mobility, and thermodynamic stability) indicates that this missense variant is not expected to disrupt POLR3B protein function with a negative predictive value of 80%. In summary, the available evidence is currently insufficient to determine the role of this variant in disease. Therefore, it has been classified as a Variant of Uncertain Significance.

NM_018082.6(POLR3B):c.432C>G (p.Asn144Lys)

Gene: POLR3B (RNA polymerase III subunit B; plus strand). Cytogenetic location: 12q23.3.
Variant type: single nucleotide variant.
Coding change: c.432C>G on transcript NM_018082.6 (MANE Select); coding-DNA position 432, C replaced by G.
Protein change: p.Asn144Lys; replaces asparagine 144 with lysine.
Molecular consequence: missense variant.
Genome position (GRCh38, 1-based): chr12:106,376,386, C>G. VCF-style: chr12-106376386-C-G. GRCh37 (hg19) VCF-style: chr12-106770164-C-G.
Other names: c.258C>G, p.Asn86Lys (NM_001160708.2); short protein forms N144K, N86K.
Identifiers: ClinVar variation 1964249 (VCV001964249.5), dbSNP rs748225333, ClinGen allele CA6761701.
Genomic context (GRCh38, chr12:106,376,386, plus strand): 5'-ATGTGATATTTTCTTTTGTTTTATTTTATACAGAATGCCCATAATGCTACGTAGTTCAAA[C>G]TGTGTTCTTACAGGAAAAACGCCAGCAGAATTTGCCAAACTGAACGAATGTCCCTTAGAT-3'
Protein context (NP_060552.4, residues 134-154): GRMPIMLRSS[Asn144Lys]CVLTGKTPAE